The following is an entry in ClinVar:

NM_000098.3(CPT2):c.990C>G (p.Phe330Leu)

Gene: CPT2 (carnitine palmitoyltransferase 2; plus strand). Cytogenetic location: 1p32.3.
Variant type: single nucleotide variant.
Coding change: c.990C>G on transcript NM_000098.3 (MANE Select); coding-DNA position 990, C replaced by G.
Protein change: p.Phe330Leu; replaces phenylalanine 330 with leucine.
Molecular consequence: missense variant.
Genome position (GRCh38, 1-based): chr1:53,210,664, C>G. VCF-style: chr1-53210664-C-G. GRCh37 (hg19) VCF-style: chr1-53676336-C-G.
Other names: c.990C>G, p.Phe330Leu (NM_001330589.2); short protein forms F330L.
Identifiers: ClinVar variation 1994767 (VCV001994767.2), dbSNP rs2525588894, ClinGen allele CA340394275.

ClinVar aggregate classification (germline): Uncertain significance (1 of 4 stars; one submission).

Conditions:
Carnitine palmitoyltransferase II deficiency. Also called: Carnitine Palmitoyltransferase 2 Deficiency. Identifiers: Orphanet 157, MedGen C0342790, MONDO:0015515.

Submission:

Labcorp Genetics (formerly Invitae), Labcorp
Classification: Uncertain significance for Carnitine palmitoyltransferase II deficiency. Last evaluated: 2022-05-15. Review status: criteria provided, single submitter. Criteria: Invitae Variant Classification Sherloc (09022015). Collection method: clinical testing. Allele origin: germline.
Comment: This sequence change replaces phenylalanine, which is neutral and non-polar, with leucine, which is neutral and non-polar, at codon 330 of the CPT2 protein (p.Phe330Leu). This variant is not present in population databases (gnomAD no frequency). This variant has not been reported in the literature in individuals affected with CPT2-related conditions. Advanced modeling of protein sequence and biophysical properties (such as structural, functional, and spatial information, amino acid conservation, physicochemical variation, residue mobility, and thermodynamic stability) performed at Invitae indicates that this missense variant is not expected to disrupt CPT2 protein function. In summary, the available evidence is currently insufficient to determine the role of this variant in disease. Therefore, it has been classified as a Variant of Uncertain Significance.